The following is an entry in ClinVar:

ClinVar aggregate classification (germline): Uncertain significance (1 of 4 stars; one submission).

Conditions:
Bloom syndrome (BLM). Also called: Bloom-Torre-Machacek syndrome. Identifiers: Orphanet 125, MedGen C0005859, MONDO:0008876, OMIM 210900.

Submission:

Labcorp Genetics (formerly Invitae), Labcorp
Classification: Uncertain significance for Bloom syndrome. Last evaluated: 2021-03-02. Review status: criteria provided, single submitter. Criteria: Invitae Variant Classification Sherloc (09022015). Collection method: clinical testing. Allele origin: germline.
Comment: This variant has not been reported in the literature in individuals with BLM-related conditions. This sequence change replaces aspartic acid with alanine at codon 146 of the BLM protein (p.Asp146Ala). The aspartic acid residue is weakly conserved and there is a moderate physicochemical difference between aspartic acid and alanine. This variant is not present in population databases (ExAC no frequency). Algorithms developed to predict the effect of missense changes on protein structure and function (SIFT, PolyPhen-2, Align-GVGD) all suggest that this variant is likely to be tolerated, but these predictions have not been confirmed by published functional studies and their clinical significance is uncertain. In summary, the available evidence is currently insufficient to determine the role of this variant in disease. Therefore, it has been classified as a Variant of Uncertain Significance.

NM_000057.4(BLM):c.437A>C (p.Asp146Ala)

Gene: BLM (BLM RecQ like helicase; plus strand). Cytogenetic location: 15q26.1.
Variant type: single nucleotide variant.
Coding change: c.437A>C on transcript NM_000057.4 (MANE Select); coding-DNA position 437, A replaced by C.
Protein change: p.Asp146Ala; replaces aspartic acid 146 with alanine.
Molecular consequence: missense variant. On other transcripts: 5 prime UTR variant (1).
Genome position (GRCh38, 1-based): chr15:90,749,705, A>C. VCF-style: chr15-90749705-A-C. GRCh37 (hg19) VCF-style: chr15-91292935-A-C.
Other names: c.437A>C, p.Asp146Ala (NM_001287246.2, NM_001287247.2); c.-855A>C (NM_001287248.2); short protein forms D146A.
Identifiers: ClinVar variation 1484984 (VCV001484984.8), dbSNP rs902876126, ClinGen allele CA393840716.